The following is an entry in ClinVar:

ClinVar aggregate classification (germline): Uncertain significance (1 of 4 stars; one submission).

Allele frequency attached by ClinVar (database versions not stated): TOPMed below 0.00001; ExAC 0.00003; ESP Exome Variant Server 0.00008.
gnomAD v4.1: 12 of 1,614,030 alleles (0.00074%); highest among the groups gnomAD compares: South Asian, 0.0044%; no homozygotes.

Submission:

Labcorp Genetics (formerly Invitae), Labcorp
Classification: Uncertain significance. Last evaluated: 2022-04-03. Review status: criteria provided, single submitter. Criteria: Invitae Variant Classification Sherloc (09022015). Collection method: clinical testing. Allele origin: germline.
Comment: Algorithms developed to predict the effect of missense changes on protein structure and function are either unavailable or do not agree on the potential impact of this missense change (SIFT: "Deleterious"; PolyPhen-2: "Probably Damaging"; Align-GVGD: "Class C0"). This variant has not been reported in the literature in individuals affected with ATP6V0A4-related conditions. This variant is present in population databases (rs146482568, gnomAD 0.01%). This sequence change replaces glycine, which is neutral and non-polar, with serine, which is neutral and polar, at codon 175 of the ATP6V0A4 protein (p.Gly175Ser). In summary, the available evidence is currently insufficient to determine the role of this variant in disease. Therefore, it has been classified as a Variant of Uncertain Significance.

NM_020632.3(ATP6V0A4):c.523G>A (p.Gly175Ser)

Gene: ATP6V0A4 (ATPase H+ transporting V0 subunit a4; minus strand). Cytogenetic location: 7q34.
Variant type: single nucleotide variant.
Coding change: c.523G>A on transcript NM_020632.3 (MANE Select); coding-DNA position 523, G replaced by A.
Protein change: p.Gly175Ser; replaces glycine 175 with serine.
Molecular consequence: missense variant.
Genome position (GRCh38, 1-based): chr7:138,759,868, C>T on the plus strand (G>A on the coding strand, the complement: ATP6V0A4 is on the minus strand). VCF-style: chr7-138759868-C-T. GRCh37 (hg19) VCF-style: chr7-138444613-C-T.
Other names: c.523G>A, p.Gly175Ser (NM_130840.3, NM_130841.3); short protein forms G175S.
Identifiers: ClinVar variation 2076535 (VCV002076535.4), dbSNP rs146482568, ClinGen allele CA4505088.